The following is an entry in ClinVar:

NM_000141.5(FGFR2):c.*197del

Gene: FGFR2 (fibroblast growth factor receptor 2; minus strand). Cytogenetic location: 10q26.13.
Variant type: Deletion.
Coding change: c.*197del on transcript NM_000141.5 (MANE Select); 197 bases downstream of the stop codon, one base deleted (A; older notation c.*197delA).
Molecular consequence: 3 prime UTR variant. On other transcripts: frameshift variant (1), non-coding transcript variant (1).
Genome position (GRCh38, 1-based): chr10:121,479,660, T deleted on the plus strand (A on the coding strand, the reverse complement: FGFR2 is on the minus strand); the first of 2 consecutive T bases (chr10:121,479,660-121,479,661); deleting either gives the same sequence. VCF-style (leftmost placement, unchanged base first): chr10-121479659-CT-C. GRCh37 (hg19) VCF-style: chr10-123239173-CT-C.
Other names: c.*197del (NM_001144914.1, NM_001144916.2, NM_001144917.2 and 4 more transcripts); c.2045del, p.Lys682fs (NM_001144915.2); c.*196delA (NM_023029.3); short protein forms K682fs.
Identifiers: ClinVar variation 298992 (VCV000298992.32), dbSNP rs748777325, ClinGen allele CA5720423.
Genomic context (GRCh38, chr10:121,479,659, plus strand): 5'-TACGCACGGCAGGTGAGAGGGGTTACATGGTGGCTTGTGGCAGTCCACTGCTCCAGAAAC[CT>C]TCTTCTCCTCCTGGGGAAGATTACAAGTTTTCAACTGTATAAATCTTTACACATATGCTG-3'

ClinVar aggregate classification (germline): Conflicting classifications of pathogenicity. Review status: criteria provided, conflicting classifications (1 of 4 stars). 4 submissions from 4 submitters: Uncertain significance (3); Likely benign (1). Last evaluated 2026-05-01.

Conditions:
FGFR2-related disorder. Identifiers: MedGen CN380096.

Submissions (4):

CeGaT Center for Human Genetics Tuebingen
Classification: Likely benign. Last evaluated: 2026-05-01. Review status: criteria provided, single submitter. Criteria: CeGaT Center For Human Genetics Tuebingen Variant Classification Criteria Version 2. Collection method: clinical testing. Allele origin: germline. Affected: yes. Observed: 3 variant alleles.
Comment: FGFR2: BS1

Blueprint Genetics
Classification: Uncertain significance. Last evaluated: 2024-04-05. Review status: criteria provided, single submitter. Criteria: ACMG Guidelines, 2015. Collection method: clinical testing. Allele origin: germline.

Clinical Genomics Laboratory, Washington University in St. Louis
Classification: Uncertain significance for FGFR2-related conditions. Last evaluated: 2024-04-02. Review status: criteria provided, single submitter. Criteria: ACMG Guidelines, 2015. Collection method: clinical testing. Allele origin: germline.
Comment: The FGFR2 c.2045del p.Lys682Argfs* variant was found at a near heterozygous allelic fraction consistent with germline origin. This variant, to our knowledge, has not been reported in the medical literature. This variant has been reported in the ClinVar database as an uncertain significance germline variant by one submitter (ClinVar ID: 298992). This variant causes a frameshift by deleting 1 nucleotide, leading to a premature termination codon; however, because this occurs in the last exon, this is not predicted to lead to nonsense mediated decay. Due to limited information and based on ACMG/AMP guidelines for variant interpretation (Richards S et al., PMID: 25741868), the clinical significance of this variant is uncertain at this time.

GeneDx
Classification: Uncertain significance. Last evaluated: 2022-09-06. Review status: criteria provided, single submitter. Criteria: GeneDx Variant Classification Process June 2021. Collection method: clinical testing. Allele origin: germline. Affected: yes.
Comment: Frameshift variant predicted to result in protein truncation, as the last 274 amino acids are replaced with 39 different amino acids; however, the majority of reported variants in this gene result in a gain-of-function; Has not been previously published as pathogenic or benign to our knowledge; Reported using an alternate transcript of the gene